The following is an entry in ClinVar:

ClinVar aggregate classification (germline): Uncertain significance (1 of 4 stars; one submission).

Conditions:
Deficiency of ferroxidase (ACEP). Also called: Deficiency of ceruloplasmin; NEURODEGENERATION WITH BRAIN IRON ACCUMULATION 10; Aceruloplasminemia; Ceruloplasmin deficiency; Familial apoceruloplasmin deficiency; Hereditary ceruloplasmin deficiency. Identifiers: Orphanet 48818, MedGen C0878682, MONDO:0011426, OMIM 604290, HP:0025498.

Allele frequency attached by ClinVar (database versions not stated): gnomAD exomes below 0.00001.
gnomAD v4.1: 2 of 1,612,952 alleles (0.00012%); highest among the groups gnomAD compares: Non-Finnish European, 0.000085%; no homozygotes.

Submission:

Labcorp Genetics (formerly Invitae), Labcorp
Classification: Uncertain significance for Deficiency of ferroxidase. Last evaluated: 2021-11-13. Review status: criteria provided, single submitter. Criteria: Invitae Variant Classification Sherloc (09022015). Collection method: clinical testing. Allele origin: germline.
Comment: In summary, the available evidence is currently insufficient to determine the role of this variant in disease. Therefore, it has been classified as a Variant of Uncertain Significance. Advanced modeling of protein sequence and biophysical properties (such as structural, functional, and spatial information, amino acid conservation, physicochemical variation, residue mobility, and thermodynamic stability) performed at Invitae indicates that this missense variant is expected to disrupt CP protein function. This variant has not been reported in the literature in individuals affected with CP-related conditions. This variant is not present in population databases (gnomAD no frequency). This sequence change replaces glutamic acid, which is acidic and polar, with glutamine, which is neutral and polar, at codon 30 of the CP protein (p.Glu30Gln).

NM_000096.4(CP):c.88G>C (p.Glu30Gln)

Gene: CP (ceruloplasmin; minus strand). Cytogenetic location: 3q25.1.
Variant type: single nucleotide variant.
Coding change: c.88G>C on transcript NM_000096.4 (MANE Select); coding-DNA position 88, G replaced by C.
Protein change: p.Glu30Gln; replaces glutamic acid 30 with glutamine.
Molecular consequence: missense variant. On other transcripts: non-coding transcript variant (1).
Genome position (GRCh38, 1-based): chr3:149,221,705, C>G on the plus strand (G>C on the coding strand, the complement: CP is on the minus strand). VCF-style: chr3-149221705-C-G. GRCh37 (hg19) VCF-style: chr3-148939492-C-G.
Other names: short protein forms E30Q.
Identifiers: ClinVar variation 1515103 (VCV001515103.6), dbSNP rs1728820847, ClinGen allele CA354923301.